The following is an entry in ClinVar:

ClinVar aggregate classification (germline): Likely pathogenic (1 of 4 stars; one submission).

Conditions:
MMP21-related disorder. Also called: MMP21-related condition.

Submission:

PreventionGenetics, part of Exact Sciences
Classification: Likely pathogenic for MMP21-related condition. Last evaluated: 2023-06-06. Review status: criteria provided, single submitter. Criteria: ACMG Guidelines, 2015. Collection method: clinical testing. Allele origin: germline.
Comment: The MMP21 c.738delG variant is predicted to result in a frameshift and premature protein termination (p.Gln247Argfs*9). To our knowledge, this variant has not been reported in the literature or in a large population database, indicating this variant is rare. Frameshift variants in MMP21 are expected to be pathogenic. This variant is interpreted as likely pathogenic.

NM_147191.1(MMP21):c.738del (p.Gln247fs)

Gene: MMP21 (matrix metallopeptidase 21; minus strand). Cytogenetic location: 10q26.2.
Variant type: Deletion.
Coding change: c.738del on transcript NM_147191.1 (MANE Select); coding-DNA position 738, one base deleted (G; older notation c.738delG).
Protein change: p.Gln247fs; shifts the reading frame from glutamine 247.
Molecular consequence: frameshift variant.
Genome position (GRCh38, 1-based): chr10:125,772,710, C deleted on the plus strand (G on the coding strand, the reverse complement: MMP21 is on the minus strand); the first of 3 consecutive C bases (chr10:125,772,710-125,772,712); deleting any one gives the same sequence. VCF-style (leftmost placement, unchanged base first): chr10-125772709-GC-G. GRCh37 (hg19) VCF-style: chr10-127461278-GC-G.
Other names: c.738delG (NM_147191.1); short protein forms Q247fs.
Identifiers: ClinVar variation 2632338 (VCV002632338.1), dbSNP rs2493740568, ClinGen allele CA2611360673.
Genomic context (GRCh38, chr10:125,772,709, plus strand): 5'-TGAAGTGCTCGTCGTCGTCAAAGTGAATGTCACCTAGGCGCCAGGCGTGTGCAAACTCCT[GC>G]CCGCTCCCATCGAAGGCCCGCGGACAGCCCAGGTGCCGGCCTGGCGAGGGGGAGGAGGAG-3'